The following is an entry in ClinVar:

ClinVar aggregate classification (germline): Likely benign. Review status: criteria provided, multiple submitters, no conflicts (2 of 4 stars). 2 submissions from 2 submitters: Likely benign (2). Last evaluated 2023-02-15.

Allele frequency attached by ClinVar (database versions not stated): gnomAD exomes below 0.00001; TOPMed below 0.00001.
gnomAD v4.1: 1 of 1,614,138 alleles (0.000062%); highest among the groups gnomAD compares: Admixed American, 0.0017%; no homozygotes.

Submissions (2):

Labcorp Genetics (formerly Invitae), Labcorp
Classification: Likely benign. Last evaluated: 2023-02-15. Review status: criteria provided, single submitter. Criteria: Invitae Variant Classification Sherloc (09022015). Collection method: clinical testing. Allele origin: germline.

Laboratory for Molecular Medicine, Mass General Brigham Personalized Medicine
Classification: Likely benign. Last evaluated: 2018-10-16. Review status: criteria provided, single submitter. Criteria: LMM Criteria. Collection method: clinical testing. Allele origin: germline. Observed: 1 variant allele.
Comment: The p.Gly2418Gly variant in MYO15A is classified as likely benign because it doe s not alter an amino acid residue, it is not located within the splice consensus sequence, and splice prediction algorithms do not predict a newly created splic e site. It is present in 0.003% (1/33578) of Latino chromosomes by gnomAD. ACMG/AMP Criteria applied: BP4; BP7; PM2.

NM_016239.4(MYO15A):c.7254G>A (p.Gly2418=)

Gene: MYO15A (myosin XVA; plus strand). Cytogenetic location: 17p11.2.
Variant type: single nucleotide variant.
Coding change: c.7254G>A on transcript NM_016239.4 (MANE Select); coding-DNA position 7254, G replaced by A.
Protein change: p.Gly2418=; no amino-acid change (glycine 2418 retained).
Molecular consequence: synonymous variant.
Genome position (GRCh38, 1-based): chr17:18,150,470, G>A. VCF-style: chr17-18150470-G-A. GRCh37 (hg19) VCF-style: chr17-18053784-G-A.
Identifiers: ClinVar variation 666722 (VCV000666722.7), dbSNP rs1265909514, ClinGen allele CA498202777.
Genomic context (GRCh38, chr17:18,150,470, plus strand): 5'-AGCCACCCACTGCCCCCAGGACCTGGAGAAGCCAACAGCCATTGCCTACCGCATGAAAGG[G>A]GGAGGCCAGCCCGGTGGAGGCAGCAGTAGTGGTACTGAAGACACCCCCAGGAGACCCCCA-3'
Protein context (NP_057323.3, residues 2408-2428): KPTAIAYRMK[Gly2418=]GGQPGGGSSS